The following is an entry in ClinVar:

ClinVar aggregate classification (germline): Uncertain significance (1 of 4 stars; one submission).

Submission:

Labcorp Genetics (formerly Invitae), Labcorp
Classification: Uncertain significance. Last evaluated: 2022-08-15. Review status: criteria provided, single submitter. Criteria: Invitae Variant Classification Sherloc (09022015). Collection method: clinical testing. Allele origin: germline.
Comment: This variant has not been reported in the literature in individuals affected with KCNV2-related conditions. This variant is not present in population databases (gnomAD no frequency). This sequence change replaces glutamine, which is neutral and polar, with glutamic acid, which is acidic and polar, at codon 40 of the KCNV2 protein (p.Gln40Glu). In summary, the available evidence is currently insufficient to determine the role of this variant in disease. Therefore, it has been classified as a Variant of Uncertain Significance. Advanced modeling of protein sequence and biophysical properties (such as structural, functional, and spatial information, amino acid conservation, physicochemical variation, residue mobility, and thermodynamic stability) performed at Invitae indicates that this missense variant is not expected to disrupt KCNV2 protein function. ClinVar contains an entry for this variant (Variation ID: 1362832).

NM_133497.4(KCNV2):c.118C>G (p.Gln40Glu)

Gene: KCNV2 (potassium voltage-gated channel modifier subfamily V member 2; plus strand). Cytogenetic location: 9p24.2.
Variant type: single nucleotide variant.
Coding change: c.118C>G on transcript NM_133497.4 (MANE Select); coding-DNA position 118, C replaced by G.
Protein change: p.Gln40Glu; replaces glutamine 40 with glutamic acid.
Molecular consequence: missense variant.
Genome position (GRCh38, 1-based): chr9:2,717,857, C>G. VCF-style: chr9-2717857-C-G. GRCh37 (hg19) VCF-style: chr9-2717857-C-G.
Other names: short protein forms Q40E.
Identifiers: ClinVar variation 1362832 (VCV001362832.6), dbSNP rs759192531, ClinGen allele CA372795741.